The following is an entry in ClinVar:

NM_024747.6(HPS6):c.2068C>G (p.Leu690Val)

Gene: HPS6 (HPS6 biogenesis of lysosomal organelles complex 2 subunit 3; plus strand). Cytogenetic location: 10q24.32.
Variant type: single nucleotide variant.
Coding change: c.2068C>G on transcript NM_024747.6 (MANE Select); coding-DNA position 2068, C replaced by G.
Protein change: p.Leu690Val; replaces leucine 690 with valine.
Molecular consequence: missense variant.
Genome position (GRCh38, 1-based): chr10:102,067,542, C>G. VCF-style: chr10-102067542-C-G. GRCh37 (hg19) VCF-style: chr10-103827299-C-G.
Other names: short protein forms L690V.
Identifiers: ClinVar variation 2096211 (VCV002096211.1), dbSNP rs776665151, ClinGen allele CA5660101.

ClinVar aggregate classification (germline): Uncertain significance (1 of 4 stars; one submission).

Allele frequency attached by ClinVar (database versions not stated): ExAC 0.00001.

Submission:

Labcorp Genetics (formerly Invitae), Labcorp
Classification: Uncertain significance. Last evaluated: 2022-02-24. Review status: criteria provided, single submitter. Criteria: Invitae Variant Classification Sherloc (09022015). Collection method: clinical testing. Allele origin: germline.
Comment: This sequence change replaces leucine, which is neutral and non-polar, with valine, which is neutral and non-polar, at codon 690 of the HPS6 protein (p.Leu690Val). This variant is present in population databases (rs776665151, gnomAD 0.01%). This variant has not been reported in the literature in individuals affected with HPS6-related conditions. Algorithms developed to predict the effect of missense changes on protein structure and function are either unavailable or do not agree on the potential impact of this missense change (SIFT: "Tolerated"; PolyPhen-2: "Possibly Damaging"; Align-GVGD: "Class C0"). In summary, the available evidence is currently insufficient to determine the role of this variant in disease. Therefore, it has been classified as a Variant of Uncertain Significance.